The following is an entry in ClinVar:

NM_177438.3(DICER1):c.4961A>G (p.Asp1654Gly)

Gene: DICER1 (dicer 1, ribonuclease III; minus strand). Cytogenetic location: 14q32.13.
Variant type: single nucleotide variant.
Coding change: c.4961A>G on transcript NM_177438.3 (MANE Select); coding-DNA position 4961, A replaced by G.
Protein change: p.Asp1654Gly; replaces aspartic acid 1654 with glycine.
Molecular consequence: missense variant. On other transcripts: non-coding transcript variant (6).
Genome position (GRCh38, 1-based): chr14:95,095,959, T>C on the plus strand (A>G on the coding strand, the complement: DICER1 is on the minus strand). VCF-style: chr14-95095959-T-C. GRCh37 (hg19) VCF-style: chr14-95562296-T-C.
Other names: c.4961A>G, p.Asp1654Gly (NM_001195573.1, NM_001271282.3, NM_001291628.2 and 13 more transcripts); c.4679A>G, p.Asp1560Gly (NM_001395686.1); c.4556A>G, p.Asp1519Gly (NM_001395687.1, NM_001395688.1, NM_001395689.1 and 2 more transcripts); c.4394A>G, p.Asp1465Gly (NM_001395691.1); c.3278A>G, p.Asp1093Gly (NM_001395697.1); short protein forms D1093G, D1465G, D1519G, D1560G, D1654G.
Identifiers: ClinVar variation 2566190 (VCV002566190.2), dbSNP rs1595338147, ClinGen allele CA390866218.

ClinVar aggregate classification (germline): Uncertain significance (1 of 4 stars; one submission).

Conditions:
Hereditary cancer-predisposing syndrome. Also called: Neoplastic Syndromes, Hereditary; Hereditary Cancer Syndrome; Hereditary neoplastic syndrome; Tumor predisposition. Identifiers: Orphanet 140162, MedGen C0027672, MeSH D009386, MONDO:0015356.

Submission:

Ambry Genetics
Classification: Uncertain significance for Hereditary cancer-predisposing syndrome. Last evaluated: 2023-05-23. Review status: criteria provided, single submitter. Criteria: Ambry Variant Classification Scheme 2023. Collection method: clinical testing. Allele origin: germline.
Comment: The p.D1654G variant (also known as c.4961A>G), located in coding exon 22 of the DICER1 gene, results from an A to G substitution at nucleotide position 4961. The aspartic acid at codon 1654 is replaced by glycine, an amino acid with similar properties. This amino acid position is highly conserved in available vertebrate species. In addition, this alteration is predicted to be deleterious by in silico analysis. Since supporting evidence is limited at this time, the clinical significance of this alteration remains unclear.